The following is an entry in ClinVar:

ClinVar aggregate classification (germline): Uncertain significance (1 of 4 stars; one submission).

Conditions:
Familial cancer of breast. Also called: hereditary breast carcinoma; BREAST CANCER, FAMILIAL; Hereditary breast cancer. Identifiers: Orphanet 227535, MedGen C0346153, MONDO:0016419, OMIM 114480. Disease mechanism: loss of function.

Submission:

Labcorp Genetics (formerly Invitae), Labcorp
Classification: Uncertain significance for Familial cancer of breast. Last evaluated: 2021-09-24. Review status: criteria provided, single submitter. Criteria: Invitae Variant Classification Sherloc (09022015). Collection method: clinical testing. Allele origin: germline.
Comment: In summary, the available evidence is currently insufficient to determine the role of this variant in disease. Therefore, it has been classified as a Variant of Uncertain Significance. Experimental studies and prediction algorithms are not available or were not evaluated, and the functional significance of this variant is currently unknown. This variant has not been reported in the literature in individuals affected with BARD1-related conditions. This variant is not present in population databases (ExAC no frequency). This variant, c.143_145del, results in the deletion of 1 amino acid(s) of the BARD1 protein (p.Leu48del), but otherwise preserves the integrity of the reading frame.

NM_000465.4(BARD1):c.140TGC[1] (p.Leu48del)

Gene: BARD1 (BRCA1 associated RING domain 1; minus strand). Cytogenetic location: 2q35.
Variant type: Microsatellite.
Coding change: c.140TGC[1] on transcript NM_000465.4 (MANE Select); one copy of the 3-base unit TGC starting at c.140; the reference has two copies in a row; one copy, 3 bases deleted.
Protein change: p.Leu48del; deletes leucine 48.
Molecular consequence: inframe deletion. On other transcripts: non-coding transcript variant (3).
Genome position (GRCh38, 1-based): chr2:214,809,425-214,809,427, GCA deleted on the plus strand (TGC on the coding strand, the reverse complement: BARD1 is on the minus strand); deleting any 3 consecutive bases within chr2:214,809,425-214,809,432 gives the same sequence; the position shown is the placement nearest the transcript's 3' end. VCF-style (leftmost placement, unchanged base first): chr2-214809424-CGCA-C. GRCh37 (hg19) VCF-style: chr2-215674148-CGCA-C.
Other names: c.140TGC[1], p.Leu48del (NM_001282543.2, NM_001282545.2, NM_001282548.2 and 1 more transcripts); short protein forms L48del.
Identifiers: ClinVar variation 1435929 (VCV001435929.7), dbSNP rs2106170849, ClinGen allele CA2580616678.
Genomic context (GRCh38, chr2:214,809,424, plus strand): 5'-TGTGCGACCCGTGCCCTCGCAGCCACCCCCAAGAAGCTCCGTCTTTACCAACGCGAGCAG[CGCA>C]GCAGCTTCTCCAGGCGGTCGAGCGCGGCGCGACTGTGGGCCCAGGCACCGCGACCATCCG-3'